The following is an entry in ClinVar:

NM_002439.5(MSH3):c.1240C>A (p.Leu414Ile)

Gene: MSH3 (mutS homolog 3; plus strand). Cytogenetic location: 5q14.1.
Variant type: single nucleotide variant.
Coding change: c.1240C>A on transcript NM_002439.5 (MANE Select); coding-DNA position 1240, C replaced by A.
Protein change: p.Leu414Ile; replaces leucine 414 with isoleucine.
Molecular consequence: missense variant.
Genome position (GRCh38, 1-based): chr5:80,678,993, C>A. VCF-style: chr5-80678993-C-A. GRCh37 (hg19) VCF-style: chr5-79974812-C-A.
Other names: short protein forms L414I.
Identifiers: ClinVar variation 1024527 (VCV001024527.10), dbSNP rs1168998675, ClinGen allele CA360268953.

ClinVar aggregate classification (germline): Uncertain significance. Review status: criteria provided, multiple submitters, no conflicts (2 of 4 stars). 2 submissions from 2 submitters: Uncertain significance (2). Last evaluated 2024-11-02.

Conditions:
Hereditary cancer-predisposing syndrome. Also called: Hereditary Cancer Syndrome; Neoplastic Syndromes, Hereditary; Tumor predisposition; Hereditary neoplastic syndrome. Identifiers: Orphanet 140162, MedGen C0027672, MeSH D009386, MONDO:0015356.

Allele frequency attached by ClinVar (database versions not stated): gnomAD exomes below 0.00001; TOPMed 0.00001.
gnomAD v4.1: 1 of 1,614,138 alleles (0.000062%); highest among the groups gnomAD compares: East Asian, 0.0022%; no homozygotes.

Submissions (2):

Ambry Genetics
Classification: Uncertain significance for Hereditary cancer-predisposing syndrome. Last evaluated: 2024-11-02. Review status: criteria provided, single submitter. Criteria: Ambry Variant Classification Scheme 2023. Collection method: clinical testing. Allele origin: germline.
Comment: The p.L414I variant (also known as c.1240C>A), located in coding exon 8 of the MSH3 gene, results from a C to A substitution at nucleotide position 1240. The leucine at codon 414 is replaced by isoleucine, an amino acid with highly similar properties. This amino acid position is highly conserved in available vertebrate species. In addition, the in silico prediction for this alteration is inconclusive. Since supporting evidence is limited at this time, the clinical significance of this alteration remains unclear.

Labcorp Genetics (formerly Invitae), Labcorp
Classification: Uncertain significance. Last evaluated: 2022-06-14. Review status: criteria provided, single submitter. Criteria: Invitae Variant Classification Sherloc (09022015). Collection method: clinical testing. Allele origin: germline.
Comment: In summary, the available evidence is currently insufficient to determine the role of this variant in disease. Therefore, it has been classified as a Variant of Uncertain Significance. Algorithms developed to predict the effect of missense changes on protein structure and function are either unavailable or do not agree on the potential impact of this missense change (SIFT: "Deleterious"; PolyPhen-2: "Probably Damaging"; Align-GVGD: "Class C0"). ClinVar contains an entry for this variant (Variation ID: 1024527). This variant has not been reported in the literature in individuals affected with MSH3-related conditions. This variant is not present in population databases (gnomAD no frequency). This sequence change replaces leucine, which is neutral and non-polar, with isoleucine, which is neutral and non-polar, at codon 414 of the MSH3 protein (p.Leu414Ile).